The following is an entry in ClinVar:

ClinVar aggregate classification (germline): Pathogenic (1 of 4 stars; one submission).

Conditions:
McKusick-Kaufman syndrome (MKKS). Also called: HYDROMETROCOLPOS SYNDROME; HYDROMETROCOLPOS, POSTAXIAL POLYDACTYLY, AND CONGENITAL HEART MALFORMATION. Identifiers: Orphanet 2473, MedGen C0948368, MONDO:0009367, OMIM 236700.
Bardet-Biedl syndrome (BBS). Identifiers: Orphanet 110, MedGen C0752166, MONDO:0015229.

Submission:

Labcorp Genetics (formerly Invitae), Labcorp
Classification: Pathogenic for McKusick-Kaufman syndrome; Bardet-Biedl syndrome. Last evaluated: 2023-11-28. Review status: criteria provided, single submitter. Criteria: Invitae Variant Classification Sherloc (09022015). Collection method: clinical testing. Allele origin: germline.
Comment: This sequence change inserts a large fragment of DNA, likely a transposable element, in exon 3 of the MKKS gene (c.372_373ins?), causing a frameshift at codon 125 (p.Ser125fs). The exact size and sequence of the insertion cannot be determined by the current assay. However, the insertion is expected to result in an absent or disrupted protein product. This variant is not present in population databases (gnomAD no frequency). This variant has not been reported in the literature in individuals affected with MKKS-related conditions. Retrotransposon insertions including LINE1 (L1), Alu, and SVA (SINE-VNTR-Alu) have been reported to be disease-causing through disruption of either a coding region or splice site (PMID: 19763152, 20307669, 22406018) and loss-of-function variants in MKKS are known to be pathogenic (PMID: 11179009, 28761321, 30614526). For these reasons, this variant has been classified as Pathogenic.

Literature cited by the submitters: PubMed 19763152; PubMed 20307669; PubMed 22406018; PubMed 11179009; PubMed 28761321; PubMed 30614526.

NM_170784.3(MKKS):c.372_373insGCCGGGCGCGGTGGCTCACGCCTGTAATCCCAGCACTTTGGGAGGCCGAGGCGGGTGGATCATGAGGTCAGNNNNNNNNNNAAAAAAAAAAAAAAAAAAAAAAATAAACATCTTTTG (p.Ser125delinsAlaGlyArgGlyGlySerArgLeuTer)

Gene: MKKS (MKKS centrosomal shuttling protein; minus strand). Cytogenetic location: 20p12.2.
Variant type: Insertion.
Coding change: c.372_373insGCCGGGCGCGGTGGCTCACGCCTGTAATCCCAGCACTTTGGGAGGCCGAGGCGGGTGGATCATGAGGTCAGNNNNNNNNNNAAAAAAAAAAAAAAAAAAAAAAATAAACATCTTTTG on transcript NM_170784.3 (MANE Select); coding-DNA positions 372 to 373, GCCGGGCGCGGTGGCTCACGCCTGTAATCCCAGCACTTTGGGAGGCCGAGGCGGGTGGATCATGAGGTCAGNNNNNNNNNNAAAAAAAAAAAAAAAAAAAAAAATAAACATCTTTTG inserted.
Protein change: p.Ser125delinsAlaGlyArgGlyGlySerArgLeuTer.
Molecular consequence: nonsense.
Genome position: GRCh38: chr20:10,413,158-10,413,159. GRCh37 (hg19): chr20:10,393,806-10,393,807.
Other names: c.372_373insGCCGGGCGCGGTGGCTCACGCCTGTAATCCCAGCACTTTGGGAGGCCGAGGCGGGTGGATCATGAGGTCAGNNNNNNNNNNAAAAAAAAAAAAAAAAAAAAAAATAAACATCTTTTG, p.Ser125delinsAlaGlyArgGlyGlySerArgLeuTer (NM_018848.3).
Identifiers: ClinVar variation 2954280 (VCV002954280.3), dbSNP rs2514497043.